The following is an entry in ClinVar:

NM_015662.3(IFT172):c.2436C>T (p.Tyr812=)

Gene: IFT172 (intraflagellar transport 172; minus strand). Cytogenetic location: 2p23.3.
Variant type: single nucleotide variant.
Coding change: c.2436C>T on transcript NM_015662.3 (MANE Select); coding-DNA position 2436, C replaced by T.
Protein change: p.Tyr812=; no amino-acid change (tyrosine 812 retained).
Molecular consequence: synonymous variant.
Genome position (GRCh38, 1-based): chr2:27,461,275, G>A on the plus strand (C>T on the coding strand, the complement: IFT172 is on the minus strand). VCF-style: chr2-27461275-G-A. GRCh37 (hg19) VCF-style: chr2-27684142-G-A.
Identifiers: ClinVar variation 772464 (VCV000772464.34), dbSNP rs143142494, ClinGen allele CA1580317.

ClinVar aggregate classification (germline): Likely benign. Review status: criteria provided, multiple submitters, no conflicts (2 of 4 stars). 4 submissions from 4 submitters: Likely benign (3). 1 of the submissions does not count toward it. Last evaluated 2026-01-12.

Conditions:
Short-rib thoracic dysplasia 10 with or without polydactyly (SRTD10). Identifiers: Orphanet 474, MedGen C3810175, MONDO:0014284, OMIM 615630.
Retinitis pigmentosa 71 (RP71). Identifiers: Orphanet 791, MedGen C4225342, MONDO:0014618, OMIM 616394.
IFT172-related disorder. Also called: IFT172-related condition; IFT172-related disorders.

Allele frequency attached by ClinVar (database versions not stated): ExAC 0.00012; TOPMed 0.00014; ESP Exome Variant Server 0.00015; 1000 Genomes Project 30x 0.00016; gnomAD 0.00016 and 0.00017; gnomAD exomes 0.00016 and 0.00017; 1000 Genomes Project 0.00020.
gnomAD v4.1: 274 of 1,614,044 alleles (0.017%); highest among the groups gnomAD compares: Middle Eastern, 0.049%; 1 homozygote.

Submissions (4):

Labcorp Genetics (formerly Invitae), Labcorp
Classification: Likely benign for Retinitis pigmentosa 71; Short-rib thoracic dysplasia 10 with or without polydactyly. Last evaluated: 2026-01-12. Review status: criteria provided, single submitter. Criteria: Invitae Variant Classification Sherloc (09022015). Collection method: clinical testing. Allele origin: germline.

CeGaT Center for Human Genetics Tuebingen
Classification: Likely benign. Last evaluated: 2025-03-01. Review status: criteria provided, single submitter. Criteria: CeGaT Center For Human Genetics Tuebingen Variant Classification Criteria Version 2. Collection method: clinical testing. Allele origin: germline. Affected: yes. Observed: 3 variant alleles.
Comment: IFT172: BP4, BP7

Blueprint Genetics
Classification: Likely benign. Last evaluated: 2024-11-26. Review status: criteria provided, single submitter. Criteria: ACMG Guidelines, 2015. Collection method: clinical testing. Allele origin: germline.

PreventionGenetics, part of Exact Sciences
Classification: Likely benign for IFT172-related condition. Last evaluated: 2019-07-11. Review status: no assertion criteria provided. Collection method: clinical testing. Allele origin: germline. Not counted in ClinVar's aggregate classification.
Comment: This variant is classified as likely benign based on ACMG/AMP sequence variant interpretation guidelines (Richards et al. 2015 PMID: 25741868, with internal and published modifications).